The following is an entry in ClinVar:

ClinVar aggregate classification (germline): Conflicting classifications of pathogenicity. Review status: criteria provided, conflicting classifications (1 of 4 stars). 4 submissions from 4 submitters: Uncertain significance (2); Likely benign (1). 1 of the submissions does not count toward it. Last evaluated 2024-10-22.

Conditions:
PROS1-related disorder. Also called: PROS1-related condition.
Thrombophilia due to protein S deficiency, autosomal recessive (THPH6). Identifiers: Orphanet 743, MedGen C3281092, MONDO:0013791, OMIM 614514. Disease mechanism: loss of function.

Allele frequency attached by ClinVar (database versions not stated): gnomAD exomes 0.00005; ExAC 0.00012; ESP Exome Variant Server 0.00015; 1000 Genomes Project 30x 0.00031; 1000 Genomes Project 0.00040.
gnomAD v4.1: 122 of 1,613,630 alleles (0.0076%); highest among the groups gnomAD compares: Middle Eastern, 0.17%; no homozygotes.

Submissions (4):

Labcorp Genetics (formerly Invitae), Labcorp
Classification: Uncertain significance for Thrombophilia due to protein S deficiency, autosomal recessive. Last evaluated: 2024-10-22. Review status: criteria provided, single submitter. Criteria: Invitae Variant Classification Sherloc (09022015). Collection method: clinical testing. Allele origin: germline.
Comment: This sequence change falls in intron 13 of the PROS1 gene. It does not directly change the encoded amino acid sequence of the PROS1 protein. It affects a nucleotide within the consensus splice site. This variant is present in population databases (rs146913514, gnomAD 0.05%). This variant has not been reported in the literature in individuals affected with PROS1-related conditions. ClinVar contains an entry for this variant (Variation ID: 2446142). Variants that disrupt the consensus splice site are a relatively common cause of aberrant splicing (PMID: 17576681, 9536098). Algorithms developed to predict the effect of sequence changes on RNA splicing suggest that this variant is not likely to affect RNA splicing. In summary, the available evidence is currently insufficient to determine the role of this variant in disease. Therefore, it has been classified as a Variant of Uncertain Significance.

CeGaT Center for Human Genetics Tuebingen
Classification: Likely benign. Last evaluated: 2023-11-01. Review status: criteria provided, single submitter. Criteria: CeGaT Center For Human Genetics Tuebingen Variant Classification Criteria Version 2. Collection method: clinical testing. Allele origin: germline. Affected: yes. Observed: 1 variant allele.
Comment: PROS1: BP4

GeneDx
Classification: Uncertain significance. Last evaluated: 2023-03-21. Review status: criteria provided, single submitter. Criteria: GeneDx Variant Classification Process June 2021. Collection method: clinical testing. Allele origin: germline. Affected: yes.
Comment: In silico analysis supports that this variant does not alter splicing; Has not been previously published as pathogenic or benign to our knowledge

PreventionGenetics, part of Exact Sciences
Classification: Likely benign for PROS1-related condition. Last evaluated: 2024-01-18. Review status: no assertion criteria provided. Collection method: clinical testing. Allele origin: germline. Not counted in ClinVar's aggregate classification.
Comment: This variant is classified as likely benign based on ACMG/AMP sequence variant interpretation guidelines (Richards et al. 2015 PMID: 25741868, with internal and published modifications).

Literature cited by the submitters: PubMed 17576681 (cited by Labcorp Genetics (formerly Invitae), Labcorp); PubMed 9536098 (cited by Labcorp Genetics (formerly Invitae), Labcorp).

NM_000313.4(PROS1):c.1644+4A>T

Gene: PROS1 (protein S; minus strand). Cytogenetic location: 3q11.1.
Variant type: single nucleotide variant.
Coding change: c.1644+4A>T on transcript NM_000313.4 (MANE Select); 4 bases into the intron after coding-DNA position 1644, A replaced by T.
Molecular consequence: intron variant.
Genome position (GRCh38, 1-based): chr3:93,879,159, T>A on the plus strand (A>T on the coding strand, the complement: PROS1 is on the minus strand). VCF-style: chr3-93879159-T-A. GRCh37 (hg19) VCF-style: chr3-93598003-T-A.
Other names: c.1740+4A>T (NM_001314077.2); c.1644+4A>T (NM_000313.3).
Identifiers: ClinVar variation 2446142 (VCV002446142.26), dbSNP rs146913514, ClinGen allele CA2503147.